The following is an entry in ClinVar:

ClinVar aggregate classification (germline): Uncertain significance. Review status: criteria provided, multiple submitters, no conflicts (2 of 4 stars). 2 submissions from 2 submitters: Uncertain significance (2). Last evaluated 2025-10-01.

gnomAD v4.1: 91 of 1,613,834 alleles (0.0056%); highest among the groups gnomAD compares: South Asian, 0.056%; no homozygotes.

Submissions (2):

GeneDx
Classification: Uncertain significance. Last evaluated: 2025-10-01. Review status: criteria provided, single submitter. Criteria: GeneDx Variant Classification Process June 2021. Collection method: clinical testing. Allele origin: germline. Affected: yes.
Comment: In silico analysis suggests that this missense variant does not alter protein structure/function; Has not been previously published as pathogenic or benign to our knowledge

Blueprint Genetics
Classification: Uncertain significance. Last evaluated: 2023-10-24. Review status: criteria provided, single submitter. Criteria: ACMG Guidelines, 2015. Collection method: clinical testing. Allele origin: germline.

NM_001039141.3(TRIOBP):c.488A>C (p.Glu163Ala)

Gene: TRIOBP (TRIO and F-actin binding protein; plus strand). Cytogenetic location: 22q13.1.
Variant type: single nucleotide variant.
Coding change: c.488A>C on transcript NM_001039141.3 (MANE Select); coding-DNA position 488, A replaced by C.
Protein change: p.Glu163Ala; replaces glutamic acid 163 with alanine.
Molecular consequence: missense variant.
Genome position (GRCh38, 1-based): chr22:37,715,794, A>C. VCF-style: chr22-37715794-A-C. GRCh37 (hg19) VCF-style: chr22-38111801-A-C.
Other names: short protein forms E163A.
Identifiers: ClinVar variation 3602465 (VCV003602465.3).
Genomic context (GRCh38, chr22:37,715,794, plus strand): 5'-ACATACTTTCTCCTCCCCTTCTCTGGCAGGACTGGGACACTGTTGAGAGGCAGGAGGAGG[A>C]GGCCCCCAGCTGGGACGAGCTCGCAGTGATGATCCCGAGGAGGCCTCGGGAGGGGCCGAG-3'
Protein context (NP_001034230.1, residues 153-173): DWDTVERQEE[Glu163Ala]APSWDELAVM